The following is an entry in ClinVar:

NM_138691.3(TMC1):c.2249C>A (p.Ala750Asp)

Gene: TMC1 (transmembrane channel like 1; plus strand). Cytogenetic location: 9q21.13.
Variant type: single nucleotide variant.
Coding change: c.2249C>A on transcript NM_138691.3 (MANE Select); coding-DNA position 2249, C replaced by A.
Protein change: p.Ala750Asp; replaces alanine 750 with aspartic acid.
Molecular consequence: missense variant.
Genome position (GRCh38, 1-based): chr9:72,830,671, C>A. VCF-style: chr9-72830671-C-A. GRCh37 (hg19) VCF-style: chr9-75445587-C-A.
Other names: short protein forms A750D.
Identifiers: ClinVar variation 1492391 (VCV001492391.8), dbSNP rs1829026565, ClinGen allele CA373675757.

ClinVar aggregate classification (germline): Uncertain significance (1 of 4 stars; one submission).

Submission:

Labcorp Genetics (formerly Invitae), Labcorp
Classification: Uncertain significance. Last evaluated: 2022-02-07. Review status: criteria provided, single submitter. Criteria: Invitae Variant Classification Sherloc (09022015). Collection method: clinical testing. Allele origin: germline.
Comment: This variant is not present in population databases (gnomAD no frequency). In summary, the available evidence is currently insufficient to determine the role of this variant in disease. Therefore, it has been classified as a Variant of Uncertain Significance. Algorithms developed to predict the effect of missense changes on protein structure and function are either unavailable or do not agree on the potential impact of this missense change (SIFT: "Tolerated"; PolyPhen-2: "Not Available"; Align-GVGD: "Class C0"). This variant has not been reported in the literature in individuals affected with TMC1-related conditions. This sequence change replaces alanine, which is neutral and non-polar, with aspartic acid, which is acidic and polar, at codon 750 of the TMC1 protein (p.Ala750Asp).